The following is an entry in ClinVar:

NM_004145.4(MYO9B):c.2136T>C (p.Ala712=)

Gene: MYO9B (myosin IXB; plus strand). Cytogenetic location: 19p13.11.
Variant type: single nucleotide variant.
Coding change: c.2136T>C on transcript NM_004145.4 (MANE Select); coding-DNA position 2136, T replaced by C.
Protein change: p.Ala712=; no amino-acid change (alanine 712 retained).
Molecular consequence: synonymous variant.
Genome position (GRCh38, 1-based): chr19:17,172,959, T>C. VCF-style: chr19-17172959-T-C. GRCh37 (hg19) VCF-style: chr19-17283768-T-C.
Other names: c.2136T>C, p.Ala712= (NM_001130065.2).
Identifiers: ClinVar variation 2649534 (VCV002649534.24), dbSNP rs192697428, ClinGen allele CA9287451.

ClinVar aggregate classification (germline): Likely benign (1 of 4 stars; one submission).

Allele frequency attached by ClinVar (database versions not stated): 1000 Genomes Project 30x 0.00016; 1000 Genomes Project 0.00020; TOPMed 0.00149; gnomAD 0.00158; ExAC 0.00179; ESP Exome Variant Server 0.00227; gnomAD exomes 0.00243.
gnomAD v4.1: 3,702 of 1,597,648 alleles (0.23%); highest among the groups gnomAD compares: Non-Finnish European, 0.28%; 5 homozygotes.

Submission:

CeGaT Center for Human Genetics Tuebingen
Classification: Likely benign. Last evaluated: 2022-05-01. Review status: criteria provided, single submitter. Criteria: CeGaT Center For Human Genetics Tuebingen Variant Classification Criteria Version 2. Collection method: clinical testing. Allele origin: germline. Affected: yes. Observed: 1 variant allele.
Comment: MYO9B: BP4, BP7